The following is an entry in ClinVar:

ClinVar aggregate classification (germline): Uncertain significance (1 of 4 stars; one submission).

Conditions:
Leukodystrophy, hypomyelinating, 6. Also called: TUBB4A-Associated Leukodystrophy; LEUKODYSTROPHY, HYPOMYELINATING, WITH ATROPHY OF THE BASAL GANGLIA AND CEREBELLUM; Hypomyelination with Atrophy of Basal Ganglia and Cerebellum (H-ABC). Identifiers: Orphanet 139441, MedGen C2676244, MONDO:0012905, OMIM 612438.

Submission:

Labcorp Genetics (formerly Invitae), Labcorp
Classification: Uncertain significance for Leukodystrophy, hypomyelinating, 6. Last evaluated: 2021-09-20. Review status: criteria provided, single submitter. Criteria: Invitae Variant Classification Sherloc (09022015). Collection method: clinical testing. Allele origin: germline.
Comment: The frequency data for this variant in the population databases is not available, as this variant may be reported as separate entries in the ExAC database. This sequence change replaces phenylalanine with asparagine at codon 159 of the TUBB4A protein (p.Phe159Asn). The phenylalanine residue is moderately conserved and there is a large physicochemical difference between phenylalanine and asparagine. This variant has not been reported in the literature in individuals affected with TUBB4A-related conditions. In summary, the available evidence is currently insufficient to determine the role of this variant in disease. Therefore, it has been classified as a Variant of Uncertain Significance. Algorithms developed to predict the effect of missense changes on protein structure and function are either unavailable or do not agree on the potential impact of this missense change (SIFT: "Not Available"; PolyPhen-2: "Benign"; Align-GVGD: "Not Available"). This missense change has been observed in at least one individual who was not affected with TUBB4A-related conditions (Invitae).

NM_006087.4(TUBB4A):c.475_476inv (p.Phe159Asn)

Gene: TUBB4A (tubulin beta 4A class IVa; minus strand). Cytogenetic location: 19p13.3.
Variant type: Inversion.
Coding change: c.475_476inv on transcript NM_006087.4 (MANE Select).
Protein change: p.Phe159Asn; replaces phenylalanine 159 with asparagine.
Molecular consequence: missense variant.
Genome position: GRCh38 VCF-style: chr19-6496023-AA-TT. GRCh37 (hg19) VCF-style: chr19-6496034-AA-TT.
Other names: c.628_629inv, p.Phe210Asn (NM_001289123.2); c.610_611inv, p.Phe204Asn (NM_001289127.2); c.475_476inv, p.Phe159Asn (NM_001289129.2); c.259_260inv, p.Phe87Asn (NM_001289130.2, NM_001289131.2); short protein forms F204N, F210N, F159N, F87N.
Identifiers: ClinVar variation 1364737 (VCV001364737.6), ClinGen allele CA2573155960.
Genomic context (GRCh38, chr19:6,496,023, plus strand): 5'-ACCGTGTCTGACACTTTGGGCGAGGGCACCACGCTGAAGGTGTTCATGATGCGGTCTGGG[AA>TT]CTCCTCGCGGATCTTACTGATGAGCAGCGTGCCCATTCCGGACCCCGTGCCACCCCCCAG-3'
Protein context (NP_006078.2, residues 149-169): TLLISKIREE[Phe159Asn]PDRIMNTFSV